The following is an entry in ClinVar:

ClinVar aggregate classification (germline): Pathogenic/Likely pathogenic. Review status: criteria provided, multiple submitters, no conflicts (2 of 4 stars). 3 submissions from 3 submitters: Pathogenic (2); Likely pathogenic (1). Last evaluated 2026-03-11.

Conditions:
Hyperkalemic periodic paralysis. Also called: Familial hyperkalemic periodic paralysis; Gamstorp disease. Identifiers: Orphanet 682, MedGen C0238357, MONDO:0008224, OMIM 170500, HP:0007215.

Submissions (3):

Women's Health and Genetics/Laboratory Corporation of America, LabCorp
Classification: Pathogenic for Hyperkalemic periodic paralysis. Last evaluated: 2026-03-11. Review status: criteria provided, single submitter. Criteria: LabCorp Variant Classification Summary - May 2015. Collection method: clinical testing. Allele origin: germline.
Comment: Variant summary: SCN4A c.2076C>G (p.Ile692Met) results in a conservative amino acid change in the encoded protein sequence. Algorithms developed to predict the effect of missense changes on protein structure and function are either unavailable or do not agree on the potential impact of this missense change. The variant was absent in 248306 control chromosomes (gnomAD). c.2076C>G has been observed in multiple individuals affected with Periodic Hyperkalemic Paralysis (e.g. Fan_2017). These data indicate that the variant is very likely to be associated with disease. The following publication has been ascertained in the context of this evaluation (PMID: 27714768). ClinVar contains an entry for this variant (Variation ID: 953362). To our knowledge, this variant has not been reported in individuals with autosomal recessive SCN4A-Related Disorders. Based on the evidence outlined above, the variant was classified as pathogenic for Periodic Hyperkalemic Paralysis.

Labcorp Genetics (formerly Invitae), Labcorp
Classification: Pathogenic for Hyperkalemic periodic paralysis. Last evaluated: 2025-07-03. Review status: criteria provided, single submitter. Criteria: Invitae Variant Classification Sherloc (09022015). Collection method: clinical testing. Allele origin: germline.
Comment: This sequence change replaces isoleucine, which is neutral and non-polar, with methionine, which is neutral and non-polar, at codon 692 of the SCN4A protein (p.Ile692Met). This variant is not present in population databases (gnomAD no frequency). This missense change has been observed in individuals with hyperkalemic periodic paralysis (PMID: 27199537, 27714768). It has also been observed to segregate with disease in related individuals. ClinVar contains an entry for this variant (Variation ID: 953362). Invitae Evidence Modeling of protein sequence and biophysical properties (such as structural, functional, and spatial information, amino acid conservation, physicochemical variation, residue mobility, and thermodynamic stability) has been performed for this missense variant. However, the output from this modeling did not meet the statistical confidence thresholds required to predict the impact of this variant on SCN4A protein function. Experimental studies have shown that this missense change affects SCN4A function (PMID: 27714768). For these reasons, this variant has been classified as Pathogenic.

Institute of Immunology and Genetics Kaiserslautern
Classification: Likely pathogenic for Hyperkalemic periodic paralysis. Last evaluated: 2022-09-13. Review status: criteria provided, single submitter. Criteria: ACMG Guidelines, 2015. Collection method: clinical testing. Allele origin: germline. Affected: yes.
Comment: ACMG Criteria: PS3, PM2_P, PP3, PP5; Variant was found in heterozygous state.

Literature cited by the submitters: PubMed 27714768 (cited by Women's Health and Genetics/Laboratory Corporation of America, LabCorp and Labcorp Genetics (formerly Invitae), Labcorp); PubMed 27199537 (cited by Labcorp Genetics (formerly Invitae), Labcorp).

NM_000334.4(SCN4A):c.2076C>G (p.Ile692Met)

Genes: GH-LCR (growth hormone locus control region; plus strand), SCN4A (sodium voltage-gated channel alpha subunit 4; minus strand). Cytogenetic location: 17q23.3.
Variant type: single nucleotide variant.
Coding change: c.2076C>G on transcript NM_000334.4 (MANE Select); coding-DNA position 2076, C replaced by G.
Protein change: p.Ile692Met; replaces isoleucine 692 with methionine.
Molecular consequence: missense variant.
Genome position (GRCh38, 1-based): chr17:63,957,462, G>C on the plus strand (C>G on the coding strand, the complement: SCN4A is on the minus strand). VCF-style: chr17-63957462-G-C. GRCh37 (hg19) VCF-style: chr17-62034822-G-C.
Other names: short protein forms I692M.
Identifiers: ClinVar variation 953362 (VCV000953362.12), dbSNP rs1224997537, ClinGen allele CA400631237.
Genomic context (GRCh38, chr17:63,957,462, plus strand): 5'-GAACACGATGATAGCCAGCACCAGCGTCAGGTTACCCAGCGCCCCCACTGAATTGCCAAT[G>C]ATCTTGATGAGCATGTTCAGCGTTGGCCACGACTTGGCCAGCTTGAAGACCCGCAGCTGC-3'
Protein context (NP_000325.4, residues 682-702): SWPTLNMLIK[Ile692Met]IGNSVGALGN